The following is an entry in ClinVar:

ClinVar aggregate classification (germline): Uncertain significance (1 of 4 stars; one submission).

Submission:

Labcorp Genetics (formerly Invitae), Labcorp
Classification: Uncertain significance. Last evaluated: 2024-10-17. Review status: criteria provided, single submitter. Criteria: Invitae Variant Classification Sherloc (09022015). Collection method: clinical testing. Allele origin: germline.
Comment: This sequence change replaces leucine, which is neutral and non-polar, with valine, which is neutral and non-polar, at codon 577 of the WFS1 protein (p.Leu577Val). This variant is not present in population databases (gnomAD no frequency). This variant has not been reported in the literature in individuals affected with WFS1-related conditions. Invitae Evidence Modeling of protein sequence and biophysical properties (such as structural, functional, and spatial information, amino acid conservation, physicochemical variation, residue mobility, and thermodynamic stability) indicates that this missense variant is not expected to disrupt WFS1 protein function with a negative predictive value of 80%. In summary, the available evidence is currently insufficient to determine the role of this variant in disease. Therefore, it has been classified as a Variant of Uncertain Significance.

NM_006005.3(WFS1):c.1729C>G (p.Leu577Val)

Gene: WFS1 (wolframin ER transmembrane glycoprotein; plus strand). Cytogenetic location: 4p16.1.
Variant type: single nucleotide variant.
Coding change: c.1729C>G on transcript NM_006005.3 (MANE Select); coding-DNA position 1729, C replaced by G.
Protein change: p.Leu577Val; replaces leucine 577 with valine.
Molecular consequence: missense variant.
Genome position (GRCh38, 1-based): chr4:6,301,524, C>G. VCF-style: chr4-6301524-C-G. GRCh37 (hg19) VCF-style: chr4-6303251-C-G.
Other names: c.1729C>G, p.Leu577Val (NM_001145853.1); short protein forms L577V.
Identifiers: ClinVar variation 3637009 (VCV003637009.2).